The following is an entry in ClinVar:

ClinVar aggregate classification (germline): Uncertain significance (1 of 4 stars; one submission).

Submission:

Labcorp Genetics (formerly Invitae), Labcorp
Classification: Uncertain significance. Last evaluated: 2022-03-04. Review status: criteria provided, single submitter. Criteria: Invitae Variant Classification Sherloc (09022015). Collection method: clinical testing. Allele origin: germline.
Comment: This sequence change replaces glycine, which is neutral and non-polar, with alanine, which is neutral and non-polar, at codon 1674 of the CACNA1F protein (p.Gly1674Ala). This variant is not present in population databases (gnomAD no frequency). This variant has not been reported in the literature in individuals affected with CACNA1F-related conditions. Algorithms developed to predict the effect of missense changes on protein structure and function (SIFT, PolyPhen-2, Align-GVGD) all suggest that this variant is likely to be tolerated. In summary, the available evidence is currently insufficient to determine the role of this variant in disease. Therefore, it has been classified as a Variant of Uncertain Significance.

NM_001256789.3(CACNA1F):c.4988G>C (p.Gly1663Ala)

Gene: CACNA1F (calcium voltage-gated channel subunit alpha1 F; minus strand). Cytogenetic location: Xp11.23.
Variant type: single nucleotide variant.
Coding change: c.4988G>C on transcript NM_001256789.3 (MANE Select); coding-DNA position 4988, G replaced by C.
Protein change: p.Gly1663Ala; replaces glycine 1663 with alanine.
Molecular consequence: missense variant.
Genome position (GRCh38, 1-based): chrX:49,208,650, C>G on the plus strand (G>C on the coding strand, the complement: CACNA1F is on the minus strand). VCF-style: chrX-49208650-C-G. GRCh37 (hg19) VCF-style: chrX-49065110-C-G.
Other names: c.4826G>C, p.Gly1609Ala (NM_001256790.3); c.5021G>C, p.Gly1674Ala (NM_005183.4); short protein forms G1663A, G1609A, G1674A.
Identifiers: ClinVar variation 2106241 (VCV002106241.4), dbSNP rs1013735849, ClinGen allele CA412959454.